The following is an entry in ClinVar:

NM_001148.6(ANK2):c.5698A>G (p.Arg1900Gly)

Genes: ANK2 (ankyrin 2; plus strand), LOC126807136 (MED14-independent group 3 enhancer GRCh37_chr4:114274931-114276130; plus strand). Cytogenetic location: 4q26.
Variant type: single nucleotide variant.
Coding change: c.5698A>G on transcript NM_001148.6 (MANE Select); coding-DNA position 5698, A replaced by G.
Protein change: p.Arg1900Gly; replaces arginine 1900 with glycine.
Molecular consequence: missense variant. On other transcripts: intron variant (68).
Genome position (GRCh38, 1-based): chr4:113,354,316, A>G. VCF-style: chr4-113354316-A-G. GRCh37 (hg19) VCF-style: chr4-114275472-A-G.
Other names: c.5464A>G, p.Arg1822Gly (NM_001386142.1); c.2098A>G, p.Arg700Gly (NM_001386166.1); c.5839A>G, p.Arg1947Gly (NM_001386174.1); c.5815A>G, p.Arg1939Gly (NM_001386175.1); c.4411+4067A>G (NM_001386186.2, NM_001386148.2); c.4213+4067A>G (NM_001354269.3); c.4291+4067A>G (NM_001386187.2); c.4252+4067A>G (NM_001386147.1); and 35 more; short protein forms R1822G, R1900G, R1939G, R1947G, R700G.
Identifiers: ClinVar variation 3626406 (VCV003626406.2).

ClinVar aggregate classification (germline): Uncertain significance (1 of 4 stars; one submission).

Conditions:
Long QT syndrome (LQTS). Identifiers: MedGen C0023976, MeSH D008133, MONDO:0002442. Disease mechanism: loss of function. Inheritance: Various modes of inheritance.

gnomAD v4.1: 2 of 1,614,026 alleles (0.00012%); highest among the groups gnomAD compares: African/African-American, 0.0013%; no homozygotes.

Submission:

Labcorp Genetics (formerly Invitae), Labcorp
Classification: Uncertain significance for Long QT syndrome. Last evaluated: 2024-03-05. Review status: criteria provided, single submitter. Criteria: Invitae Variant Classification Sherloc (09022015). Collection method: clinical testing. Allele origin: germline.
Comment: This sequence change replaces arginine, which is basic and polar, with glycine, which is neutral and non-polar, at codon 1900 of the ANK2 protein (p.Arg1900Gly). This variant is not present in population databases (gnomAD no frequency). This variant has not been reported in the literature in individuals affected with ANK2-related conditions. Advanced modeling of protein sequence and biophysical properties (such as structural, functional, and spatial information, amino acid conservation, physicochemical variation, residue mobility, and thermodynamic stability) performed at Invitae indicates that this missense variant is not expected to disrupt ANK2 protein function with a negative predictive value of 80%. In summary, the available evidence is currently insufficient to determine the role of this variant in disease. Therefore, it has been classified as a Variant of Uncertain Significance.